The following is an entry in ClinVar:

ClinVar aggregate classification (germline): Conflicting classifications of pathogenicity. Review status: criteria provided, conflicting classifications (1 of 4 stars). 9 submissions from 9 submitters: Uncertain significance (4); Benign (1); Likely benign (2). 2 of the submissions do not count toward it. Last evaluated 2026-02-02.

Conditions:
Hereditary cancer-predisposing syndrome. Also called: Hereditary Cancer Syndrome; Neoplastic Syndromes, Hereditary; Tumor predisposition; Hereditary neoplastic syndrome. Identifiers: Orphanet 140162, MedGen C0027672, MeSH D009386, MONDO:0015356.
Ovarian cancer. Also called: OVARIAN CANCER, SOMATIC. Identifiers: Orphanet 213500, MedGen C1140680, MONDO:0008170, OMIM 167000.
Familial cancer of breast. Also called: Hereditary breast cancer; hereditary breast carcinoma; BREAST CANCER, FAMILIAL. Identifiers: Orphanet 227535, MedGen C0346153, MONDO:0016419, OMIM 114480. Disease mechanism: loss of function.
Ataxia-telangiectasia syndrome (AT). Also called: Ataxia telangiectasia (A-T); Ataxia-telangiectasia, complementation group E; LOUIS-BAR SYNDROME; Cerebello-oculocutaneous telangiectasia; Immunodeficiency with ataxia telangiectasia; Ataxia-telangiectasia, complementation group D. Identifiers: Orphanet 100, MedGen C0004135, MONDO:0008840, OMIM 208900.

Allele frequency attached by ClinVar (database versions not stated): gnomAD exomes below 0.00001 and 0.00001; gnomAD 0.00001; TOPMed 0.00001; ExAC 0.00002.

Submissions (9):

Labcorp Genetics (formerly Invitae), Labcorp
Classification: Uncertain significance for Ataxia-telangiectasia syndrome. Last evaluated: 2026-02-02. Review status: criteria provided, single submitter. Criteria: Invitae Variant Classification Sherloc (09022015). Collection method: clinical testing. Allele origin: germline.
Comment: This sequence change replaces methionine, which is neutral and non-polar, with valine, which is neutral and non-polar, at codon 1064 of the ATM protein (p.Met1064Val). This variant is present in population databases (rs79431304, gnomAD 0.02%). This missense change has been observed in individual(s) with breast cancer (PMID: 28135048). ClinVar contains an entry for this variant (Variation ID: 229707). Invitae Evidence Modeling of protein sequence and biophysical properties (such as structural, functional, and spatial information, amino acid conservation, physicochemical variation, residue mobility, and thermodynamic stability) indicates that this missense variant is not expected to disrupt ATM protein function with a negative predictive value of 95%. RNA analysis performed to evaluate the impact of this missense change on mRNA splicing indicates it does not significantly alter splicing (internal data). In summary, the available evidence is currently insufficient to determine the role of this variant in disease. Therefore, it has been classified as a Variant of Uncertain Significance.

Ambry Genetics
Classification: Likely benign for Hereditary cancer-predisposing syndrome. Last evaluated: 2025-08-05. Review status: criteria provided, single submitter. Criteria: Ambry Variant Classification Scheme 2023. Collection method: clinical testing. Allele origin: germline.

Color Diagnostics, LLC DBA Color Health
Classification: Likely benign for Hereditary cancer-predisposing syndrome. Last evaluated: 2025-06-30. Review status: criteria provided, single submitter. Criteria: ACMG Guidelines, 2015. Collection method: clinical testing. Allele origin: germline.

GeneDx
Classification: Uncertain significance. Last evaluated: 2023-08-02. Review status: criteria provided, single submitter. Criteria: GeneDx Variant Classification Process June 2021. Collection method: clinical testing. Allele origin: germline. Affected: yes.
Comment: In silico analysis supports that this missense variant does not alter protein structure/function; Observed in individuals with breast cancer and also in unaffected controls (Liu et al., 2017; Momozawa et al., 2018; Xie et al., 2018; Dorling et al., 2021); This variant is associated with the following publications: (PMID: 30287823, 28135048, 28580595, 19781682, 33471991)

Baylor Genetics
Classification: Uncertain significance for Familial cancer of breast. Last evaluated: 2022-12-19. Review status: criteria provided, single submitter. Criteria: ACMG Guidelines, 2015. Collection method: clinical testing. Allele origin: unknown.

Laboratory of Molecular Epidemiology of Birth Defects, West China Second University Hospital, Sichuan University
Classification: Benign for Ovarian cancer. Last evaluated: 2022-01-01. Review status: criteria provided, single submitter. Criteria: ACMG Guidelines, 2015. Collection method: clinical testing. Allele origin: germline. Affected: yes.

Sema4
Classification: Uncertain significance for Hereditary cancer-predisposing syndrome. Last evaluated: 2021-06-10. Review status: criteria provided, single submitter. Criteria: Sema4 Curation Guidelines. Collection method: curation. Allele origin: germline.
Comment: The ATM c.3190A>G (p.M1064V) variant has been reported in heterozygosity in at least five individuals with breast cancer (PMID: 28135048, 28580595, 30287823, 33471991). However, it was also observed in 4 controls in a breast cancer case-control study (PMID: PubMed 33471991). It was observed in 3/18380 chromosomes of the East Asian subpopulation in the large and broad cohorts of the Genome Aggregation Database. The variant has been reported in ClinVar (Variation ID 229707). In silico tools suggest the impact of the variant on protein function is benign, though these predictions have not been confirmed by functional studies. The evidence is insufficient to meet ACMG/AMP criteria for classifying the variant as benign or pathogenic. Thus, the clinical significance of this variant is currently uncertain.

Natera, Inc.
Classification: Uncertain significance for Ataxia-telangiectasia. Last evaluated: 2020-09-16. Review status: no assertion criteria provided. Collection method: clinical testing. Allele origin: germline. Not counted in ClinVar's aggregate classification.

Counsyl
Classification: Uncertain significance for Ataxia-telangiectasia syndrome. Last evaluated: 2018-01-10. Review status: no assertion criteria provided. Collection method: clinical testing. Allele origin: unknown. Not counted in ClinVar's aggregate classification.

Literature cited by the submitters: PubMed 28135048 (cited by 3 submitters); PubMed 28580595 (cited by Ambry Genetics and Sema4); PubMed 30287823 (cited by Ambry Genetics and Sema4); PubMed 33471991 (cited by Sema4).

NM_000051.4(ATM):c.3190A>G (p.Met1064Val)

Gene: ATM (ATM serine/threonine kinase; plus strand). Cytogenetic location: 11q22.3.
Variant type: single nucleotide variant.
Coding change: c.3190A>G on transcript NM_000051.4 (MANE Select); coding-DNA position 3190, A replaced by G.
Protein change: p.Met1064Val; replaces methionine 1064 with valine.
Molecular consequence: missense variant.
Genome position (GRCh38, 1-based): chr11:108,272,758, A>G. VCF-style: chr11-108272758-A-G. GRCh37 (hg19) VCF-style: chr11-108143485-A-G.
Other names: c.3190A>G, p.Met1064Val (NM_001351834.2); short protein forms M1064V.
Identifiers: ClinVar variation 229707 (VCV000229707.28), dbSNP rs79431304, ClinGen allele CA6265222.